The following is an entry in ClinVar:

ClinVar aggregate classification (germline): Uncertain significance (1 of 4 stars; one submission).

gnomAD v4.1: 4 of 1,475,082 alleles (0.00027%); highest among the groups gnomAD compares: Non-Finnish European, 0.00036%; no homozygotes.

Submission:

Labcorp Genetics (formerly Invitae), Labcorp
Classification: Uncertain significance. Last evaluated: 2025-01-18. Review status: criteria provided, single submitter. Criteria: Invitae Variant Classification Sherloc (09022015). Collection method: clinical testing. Allele origin: germline.
Comment: This sequence change replaces valine, which is neutral and non-polar, with alanine, which is neutral and non-polar, at codon 29 of the SPEG protein (p.Val29Ala). The frequency data for this variant in the population databases is considered unreliable, as metrics indicate poor data quality at this position in the gnomAD database. This variant has not been reported in the literature in individuals affected with SPEG-related conditions. An algorithm developed to predict the effect of missense changes on protein structure and function (PolyPhen-2) suggests that this variant is likely to be tolerated. In summary, the available evidence is currently insufficient to determine the role of this variant in disease. Therefore, it has been classified as a Variant of Uncertain Significance.

NM_005876.5(SPEG):c.86T>C (p.Val29Ala)

Gene: SPEG (striated muscle enriched protein kinase; plus strand). Cytogenetic location: 2q35.
Variant type: single nucleotide variant.
Coding change: c.86T>C on transcript NM_005876.5 (MANE Select); coding-DNA position 86, T replaced by C.
Protein change: p.Val29Ala; replaces valine 29 with alanine.
Molecular consequence: missense variant.
Genome position (GRCh38, 1-based): chr2:219,435,063, T>C. VCF-style: chr2-219435063-T-C. GRCh37 (hg19) VCF-style: chr2-220299785-T-C.
Other names: short protein forms V29A.
Identifiers: ClinVar variation 3680787 (VCV003680787.2).